The following is an entry in ClinVar:

ClinVar aggregate classification (germline): Uncertain significance. Review status: criteria provided, multiple submitters, no conflicts (2 of 4 stars). 4 submissions from 4 submitters: Uncertain significance (4). Last evaluated 2024-03-26.

Conditions:
Hearing impairment. Also called: Impaired Hearing. Identifiers: MedGen C1384666, MONDO:0005365, HP:0000365.

Allele frequency attached by ClinVar (database versions not stated): TOPMed 0.00005; gnomAD 0.00013 and 0.00014; gnomAD exomes 0.00019; ExAC 0.00032.
gnomAD v4.1: 225 of 1,611,320 alleles (0.014%); highest among the groups gnomAD compares: Non-Finnish European, 0.0099%; no homozygotes.

Submissions (4):

Blueprint Genetics
Classification: Uncertain significance. Last evaluated: 2024-03-26. Review status: criteria provided, single submitter. Criteria: ACMG Guidelines, 2015. Collection method: clinical testing. Allele origin: germline.

GeneDx
Classification: Uncertain significance. Last evaluated: 2022-03-31. Review status: criteria provided, single submitter. Criteria: GeneDx Variant Classification Process June 2021. Collection method: clinical testing. Allele origin: germline. Affected: yes.
Comment: In silico analysis supports that this missense variant has a deleterious effect on protein structure/function; Has not been previously published as pathogenic or benign to our knowledge

Department of Otolaryngology – Head & Neck Surgery, Cochlear Implant Center
Classification: Uncertain significance for Hearing impairment. Last evaluated: 2021-04-12. Review status: criteria provided, single submitter. Criteria: ClinGen HL ACMG Specifications v1. Collection method: clinical testing. Allele origin: germline. Affected: yes.
Comment: PM2_Supporting, BP4_Supporting

Laboratory for Molecular Medicine, Mass General Brigham Personalized Medicine
Classification: Uncertain significance. Last evaluated: 2013-06-05. Review status: criteria provided, single submitter. Criteria: LMM Criteria. Collection method: clinical testing. Allele origin: germline. Observed: 1 variant allele.
Comment: The Gly2268Asp variant in TRIOBP has not been reported in individuals with heari ng loss. Data from large population studies is insufficient to assess the freque ncy of this variant. This variant has been reported in the dbSNP without any pop ulation information (dbSNP rs200411253). Computational analyses (biochemical ami no acid properties, conservation, AlignGVGD, PolyPhen2, and SIFT) do not provide strong support for or against an impact to the protein. In summary, additional information is needed to fully assess the clinical significance of the Gly2268A sp variant.

NM_001039141.3(TRIOBP):c.6803G>A (p.Gly2268Asp)

Gene: TRIOBP (TRIO and F-actin binding protein; plus strand). Cytogenetic location: 22q13.1.
Variant type: single nucleotide variant.
Coding change: c.6803G>A on transcript NM_001039141.3 (MANE Select); coding-DNA position 6803, G replaced by A.
Protein change: p.Gly2268Asp; replaces glycine 2268 with aspartic acid.
Molecular consequence: missense variant.
Genome position (GRCh38, 1-based): chr22:37,769,329, G>A. VCF-style: chr22-37769329-G-A. GRCh37 (hg19) VCF-style: chr22-38165336-G-A.
Other names: c.1664G>A, p.Gly555Asp (NM_007032.5); short protein forms G2268D, G555D.
Identifiers: ClinVar variation 178939 (VCV000178939.11), dbSNP rs200411253, ClinGen allele CA183353.